The following is an entry in ClinVar:

ClinVar aggregate classification (germline): Uncertain significance (1 of 4 stars; one submission).

gnomAD v4.1: 10 of 1,612,910 alleles (0.00062%); highest among the groups gnomAD compares: Non-Finnish European, 0.00085%; no homozygotes.

Submission:

Labcorp Genetics (formerly Invitae), Labcorp
Classification: Uncertain significance. Last evaluated: 2025-10-19. Review status: criteria provided, single submitter. Criteria: Invitae Variant Classification Sherloc (09022015). Collection method: clinical testing. Allele origin: germline.
Comment: This sequence change creates a premature translational stop signal (p.Gly1805*) in the FBN3 gene. It is expected to result in an absent or disrupted protein product. However, the current clinical and genetic evidence is not sufficient to establish whether loss-of-function variants in FBN3 cause disease. This variant is not present in population databases (gnomAD no frequency). This variant has not been reported in the literature in individuals affected with FBN3-related conditions. ClinVar contains an entry for this variant (Variation ID: 3604139). Algorithms developed to predict the effect of sequence changes on RNA splicing suggest that this variant may disrupt the consensus splice site. In summary, the available evidence is currently insufficient to determine the role of this variant in disease. Therefore, it has been classified as a Variant of Uncertain Significance.

NM_032447.5(FBN3):c.5413G>T (p.Gly1805Ter)

Gene: FBN3 (fibrillin 3; minus strand). Cytogenetic location: 19p13.2.
Variant type: single nucleotide variant.
Coding change: c.5413G>T on transcript NM_032447.5 (MANE Select); coding-DNA position 5413, G replaced by T.
Protein change: p.Gly1805Ter; replaces glycine 1805 with a stop codon.
Molecular consequence: nonsense.
Genome position (GRCh38, 1-based): chr19:8,096,881, C>A on the plus strand (G>T on the coding strand, the complement: FBN3 is on the minus strand). VCF-style: chr19-8096881-C-A. GRCh37 (hg19) VCF-style: chr19-8161765-C-A.
Other names: c.5413G>T, p.Gly1805Ter (NM_001321431.2); short protein forms G1805*.
Identifiers: ClinVar variation 3604139 (VCV003604139.2).